The following is an entry in ClinVar:

NM_003906.5(MCM3AP):c.523T>A (p.Phe175Ile)

Gene: MCM3AP (minichromosome maintenance complex component 3 associated protein; minus strand). Cytogenetic location: 21q22.3.
Variant type: single nucleotide variant.
Coding change: c.523T>A on transcript NM_003906.5 (MANE Select); coding-DNA position 523, T replaced by A.
Protein change: p.Phe175Ile; replaces phenylalanine 175 with isoleucine.
Molecular consequence: missense variant.
Genome position (GRCh38, 1-based): chr21:46,284,764, A>T on the plus strand (T>A on the coding strand, the complement: MCM3AP is on the minus strand). VCF-style: chr21-46284764-A-T. GRCh37 (hg19) VCF-style: chr21-47704678-A-T.
Other names: short protein forms F175I.
Identifiers: ClinVar variation 1446242 (VCV001446242.3), dbSNP rs779889740, ClinGen allele CA10077332.
Genomic context (GRCh38, chr21:46,284,764, plus strand): 5'-GAAAAGAGAAAGGGGCCAGGCCTCCAGGTGCACTACTAATTGGGTGGGAAAATGTAAAAA[A>T]CCCAGAAGCAATTTGGCTCTGGGTTTTCTCTGGCTCAGATTCAGCCCCCAGTATTGGTTT-3'
Protein context (NP_003897.2, residues 165-185): EKTQSQIASG[Phe175Ile]FTFSHPISSA

ClinVar aggregate classification (germline): Uncertain significance (1 of 4 stars; one submission).

Allele frequency attached by ClinVar (database versions not stated): gnomAD 0.00001.
gnomAD v4.1: 30 of 1,613,536 alleles (0.0019%); highest among the groups gnomAD compares: Non-Finnish European, 0.0023%; no homozygotes.

Submission:

Labcorp Genetics (formerly Invitae), Labcorp
Classification: Uncertain significance. Last evaluated: 2022-10-17. Review status: criteria provided, single submitter. Criteria: Invitae Variant Classification Sherloc (09022015). Collection method: clinical testing. Allele origin: germline.
Comment: This sequence change replaces phenylalanine, which is neutral and non-polar, with isoleucine, which is neutral and non-polar, at codon 175 of the MCM3AP protein (p.Phe175Ile). This variant is present in population databases (rs779889740, gnomAD 0.007%). This variant has not been reported in the literature in individuals affected with MCM3AP-related conditions. ClinVar contains an entry for this variant (Variation ID: 1446242). Algorithms developed to predict the effect of missense changes on protein structure and function (SIFT, PolyPhen-2, Align-GVGD) all suggest that this variant is likely to be tolerated. In summary, the available evidence is currently insufficient to determine the role of this variant in disease. Therefore, it has been classified as a Variant of Uncertain Significance.